The following is an entry in ClinVar:

ClinVar aggregate classification (germline): Uncertain significance (1 of 4 stars; one submission).

Conditions:
Warts, hypogammaglobulinemia, infections, and myelokathexis. Also called: WHIM syndrome. Identifiers: MedGen C0472817, MONDO:0023880.

gnomAD v4.1: 5 of 1,614,174 alleles (0.00031%); highest among the groups gnomAD compares: Middle Eastern, 0.016%; no homozygotes.

Submission:

Labcorp Genetics (formerly Invitae), Labcorp
Classification: Uncertain significance for Warts, hypogammaglobulinemia, infections, and myelokathexis. Last evaluated: 2025-11-27. Review status: criteria provided, single submitter. Criteria: Invitae Variant Classification Sherloc (09022015). Collection method: clinical testing. Allele origin: germline.
Comment: This sequence change replaces valine, which is neutral and non-polar, with isoleucine, which is neutral and non-polar, at codon 197 of the CXCR4 protein (p.Val197Ile). This variant is present in population databases (rs546013875, gnomAD 0.006%). This variant has not been reported in the literature in individuals affected with CXCR4-related conditions. An algorithm developed to predict the effect of missense changes on protein structure and function outputs the following: PolyPhen-2: "Benign". The isoleucine amino acid residue is found in multiple mammalian species, which suggests that this missense change does not adversely affect protein function. In summary, the available evidence is currently insufficient to determine the role of this variant in disease. Therefore, it has been classified as a Variant of Uncertain Significance.

NM_003467.3(CXCR4):c.589G>A (p.Val197Ile)

Gene: CXCR4 (C-X-C motif chemokine receptor 4; minus strand). Cytogenetic location: 2q22.1.
Variant type: single nucleotide variant.
Coding change: c.589G>A on transcript NM_003467.3 (MANE Select); coding-DNA position 589, G replaced by A.
Protein change: p.Val197Ile; replaces valine 197 with isoleucine.
Molecular consequence: missense variant.
Genome position (GRCh38, 1-based): chr2:136,115,339, C>T on the plus strand (G>A on the coding strand, the complement: CXCR4 is on the minus strand). VCF-style: chr2-136115339-C-T. GRCh37 (hg19) VCF-style: chr2-136872909-C-T.
Other names: c.601G>A, p.Val201Ile (NM_001008540.2); c.802G>A, p.Val268Ile (NM_001348056.2); c.688G>A, p.Val230Ile (NM_001348059.2); c.544G>A, p.Val182Ile (NM_001348060.2); short protein forms V201I, V182I, V197I, V230I, V268I.
Identifiers: ClinVar variation 4778562 (VCV004778562.1).